The following is an entry in ClinVar:

NM_001734.5(C1S):c.1312A>C (p.Ile438Leu)

Gene: C1S (complement C1s; plus strand). Cytogenetic location: 12p13.31.
Variant type: single nucleotide variant.
Coding change: c.1312A>C on transcript NM_001734.5 (MANE Select); coding-DNA position 1312, A replaced by C.
Protein change: p.Ile438Leu; replaces isoleucine 438 with leucine.
Molecular consequence: missense variant.
Genome position (GRCh38, 1-based): chr12:7,069,896, A>C. VCF-style: chr12-7069896-A-C. GRCh37 (hg19) VCF-style: chr12-7177200-A-C.
Other names: c.1312A>C (NM_201442.2); c.811A>C, p.Ile271Leu (NM_001346850.2); c.1312A>C, p.Ile438Leu (NM_201442.4); short protein forms I438L, I271L.
Identifiers: ClinVar variation 3714764 (VCV003714764.3).

ClinVar aggregate classification (germline): Uncertain significance. Review status: criteria provided, multiple submitters, no conflicts (2 of 4 stars). 2 submissions from 2 submitters: Uncertain significance (2). Last evaluated 2025-12-15.

Conditions:
Inborn genetic diseases. Identifiers: MedGen C0950123, MeSH D030342.

Submissions (2):

Labcorp Genetics (formerly Invitae), Labcorp
Classification: Uncertain significance. Last evaluated: 2025-12-15. Review status: criteria provided, single submitter. Criteria: Invitae Variant Classification Sherloc (09022015). Collection method: clinical testing. Allele origin: germline.
Comment: This sequence change replaces isoleucine, which is neutral and non-polar, with leucine, which is neutral and non-polar, at codon 438 of the C1S protein (p.Ile438Leu). This variant is present in population databases (no rsID available, gnomAD 0.02%). This variant has not been reported in the literature in individuals affected with C1S-related conditions. ClinVar contains an entry for this variant (Variation ID: 3714764). Invitae Evidence Modeling of protein sequence and biophysical properties (such as structural, functional, and spatial information, amino acid conservation, physicochemical variation, residue mobility, and thermodynamic stability) indicates that this missense variant is expected to disrupt C1S protein function with a positive predictive value of 80%. In summary, the available evidence is currently insufficient to determine the role of this variant in disease. Therefore, it has been classified as a Variant of Uncertain Significance.

Ambry Genetics
Classification: Uncertain significance for Inborn genetic diseases. Last evaluated: 2025-05-18. Review status: criteria provided, single submitter. Criteria: Ambry Variant Classification Scheme 2023. Collection method: clinical testing. Allele origin: germline.